The following is an entry in ClinVar:

NM_013266.4(CTNNA3):c.617G>A (p.Gly206Glu)

Gene: CTNNA3 (catenin alpha 3; minus strand). Cytogenetic location: 10q21.3.
Variant type: single nucleotide variant.
Coding change: c.617G>A on transcript NM_013266.4 (MANE Select); coding-DNA position 617, G replaced by A.
Protein change: p.Gly206Glu; replaces glycine 206 with glutamic acid.
Molecular consequence: missense variant.
Genome position (GRCh38, 1-based): chr10:67,219,833, C>T on the plus strand (G>A on the coding strand, the complement: CTNNA3 is on the minus strand). VCF-style: chr10-67219833-C-T. GRCh37 (hg19) VCF-style: chr10-68979591-C-T.
Other names: c.617G>A, p.Gly206Glu (NM_001127384.3); c.653G>A, p.Gly218Glu (NM_001291133.2); short protein forms G206E, G218E.
Identifiers: ClinVar variation 2093527 (VCV002093527.4), dbSNP rs2548040296, ClinGen allele CA377095945.
Genomic context (GRCh38, chr10:67,219,833, plus strand): 5'-AAACAAGCTGAACAAATTGAATGCAAGAGGGGAGAGTTCTCCTTCAGTGAAGCTCGGGCT[C>T]CTGCAATTTCATCTCTCTGATTTGGAGATTTTAAGTCCTGAGAAGGTAAATAAAAAGAGT-3'
Protein context (NP_037398.2, residues 196-216): KSPNQRDEIA[Gly206Glu]ARASLKENSP

ClinVar aggregate classification (germline): Uncertain significance (1 of 4 stars; one submission).

Conditions:
Arrhythmogenic right ventricular dysplasia 13. Also called: Arrhythmogenic right ventricular dysplasia, familial, 13; ARRHYTHMOGENIC RIGHT VENTRICULAR CARDIOMYOPATHY 13. Identifiers: MedGen C3810138, MONDO:0000908, OMIM 615616.

Allele frequency attached by ClinVar (database versions not stated): gnomAD exomes below 0.00001.

Submission:

Labcorp Genetics (formerly Invitae), Labcorp
Classification: Uncertain significance for Arrhythmogenic right ventricular dysplasia 13. Last evaluated: 2022-03-27. Review status: criteria provided, single submitter. Criteria: Invitae Variant Classification Sherloc (09022015). Collection method: clinical testing. Allele origin: germline.
Comment: This sequence change replaces glycine, which is neutral and non-polar, with glutamic acid, which is acidic and polar, at codon 206 of the CTNNA3 protein (p.Gly206Glu). This variant is not present in population databases (gnomAD no frequency). This variant has not been reported in the literature in individuals affected with CTNNA3-related conditions. Algorithms developed to predict the effect of missense changes on protein structure and function are either unavailable or do not agree on the potential impact of this missense change (SIFT: "Deleterious"; PolyPhen-2: "Possibly Damaging"; Align-GVGD: "Class C0"). In summary, the available evidence is currently insufficient to determine the role of this variant in disease. Therefore, it has been classified as a Variant of Uncertain Significance.